The following is an entry in ClinVar:

NM_133642.5(LARGE1):c.550A>G (p.Thr184Ala)

Gene: LARGE1 (LARGE xylosyl- and glucuronyltransferase 1; minus strand). Cytogenetic location: 22q12.3.
Variant type: single nucleotide variant.
Coding change: c.550A>G on transcript NM_133642.5 (MANE Select); coding-DNA position 550, A replaced by G.
Protein change: p.Thr184Ala; replaces threonine 184 with alanine.
Molecular consequence: missense variant.
Genome position (GRCh38, 1-based): chr22:33,604,500, T>C on the plus strand (A>G on the coding strand, the complement: LARGE1 is on the minus strand). VCF-style: chr22-33604500-T-C. GRCh37 (hg19) VCF-style: chr22-34000486-T-C.
Other names: c.550A>G (NM_004737.4); c.550A>G, p.Thr184Ala (NM_001362949.2, NM_001362951.2, NM_001362953.2 and 7 more transcripts); short protein forms T184A.
Identifiers: ClinVar variation 1879554 (VCV001879554.32), dbSNP rs960997554, ClinGen allele CA323749674.

ClinVar aggregate classification (germline): Uncertain significance. Review status: criteria provided, multiple submitters, no conflicts (2 of 4 stars). 2 submissions from 2 submitters: Uncertain significance (2). Last evaluated 2022-11-01.

Allele frequency attached by ClinVar (database versions not stated): gnomAD 0.00001; gnomAD exomes 0.00001; TOPMed 0.00001.
gnomAD v4.1: 25 of 1,613,900 alleles (0.0015%); highest among the groups gnomAD compares: Non-Finnish European, 0.0018%; no homozygotes.

Submissions (2):

CeGaT Center for Human Genetics Tuebingen
Classification: Uncertain significance. Last evaluated: 2022-11-01. Review status: criteria provided, single submitter. Criteria: CeGaT Center For Human Genetics Tuebingen Variant Classification Criteria Version 2. Collection method: clinical testing. Allele origin: germline. Affected: yes. Observed: 1 variant allele.
Comment: LARGE1: PM2, BP4

Revvity Omics, Revvity
Classification: Uncertain significance. Last evaluated: 2019-08-05. Review status: criteria provided, single submitter. Criteria: ACMG Guidelines, 2015. Collection method: clinical testing. Allele origin: germline.